The following is an entry in ClinVar:

ClinVar aggregate classification (germline): Uncertain significance. Review status: criteria provided, multiple submitters, no conflicts (2 of 4 stars). 2 submissions from 2 submitters: Uncertain significance (2). Last evaluated 2023-12-09.

Conditions:
Inborn genetic diseases. Identifiers: MedGen C0950123, MeSH D030342.
Lethal multiple pterygium syndrome (LMPS). Identifiers: Orphanet 33108, MedGen C1854678, MONDO:0009668, OMIM 253290.

gnomAD v4.1: 13 of 1,613,786 alleles (0.00081%); highest among the groups gnomAD compares: Non-Finnish European, 0.001%; no homozygotes.

Submissions (2):

Labcorp Genetics (formerly Invitae), Labcorp
Classification: Uncertain significance for Lethal multiple pterygium syndrome. Last evaluated: 2023-12-09. Review status: criteria provided, single submitter. Criteria: Invitae Variant Classification Sherloc (09022015). Collection method: clinical testing. Allele origin: germline.
Comment: This sequence change replaces aspartic acid, which is acidic and polar, with valine, which is neutral and non-polar, at codon 183 of the CHRNA1 protein (p.Asp183Val). This variant is present in population databases (no rsID available, gnomAD 0.01%). This variant has not been reported in the literature in individuals affected with CHRNA1-related conditions. ClinVar contains an entry for this variant (Variation ID: 1397058). Advanced modeling of protein sequence and biophysical properties (such as structural, functional, and spatial information, amino acid conservation, physicochemical variation, residue mobility, and thermodynamic stability) performed at Invitae indicates that this missense variant is not expected to disrupt CHRNA1 protein function with a negative predictive value of 80%. In summary, the available evidence is currently insufficient to determine the role of this variant in disease. Therefore, it has been classified as a Variant of Uncertain Significance.

Ambry Genetics
Classification: Uncertain significance for Inborn genetic diseases. Last evaluated: 2022-06-06. Review status: criteria provided, single submitter. Criteria: Ambry Variant Classification Scheme 2023. Collection method: clinical testing. Allele origin: germline.

NM_000079.4(CHRNA1):c.548A>T (p.Asp183Val)

Gene: CHRNA1 (cholinergic receptor nicotinic alpha 1 subunit; minus strand). Cytogenetic location: 2q31.1.
Variant type: single nucleotide variant.
Coding change: c.548A>T on transcript NM_000079.4 (MANE Select); coding-DNA position 548, A replaced by T.
Protein change: p.Asp183Val; replaces aspartic acid 183 with valine.
Molecular consequence: missense variant.
Genome position (GRCh38, 1-based): chr2:174,753,733, T>A on the plus strand (A>T on the coding strand, the complement: CHRNA1 is on the minus strand). VCF-style: chr2-174753733-T-A. GRCh37 (hg19) VCF-style: chr2-175618461-T-A.
Other names: c.623A>T, p.Asp208Val (NM_001039523.3); c.548A>T (NM_000079.3); short protein forms D208V, D183V.
Identifiers: ClinVar variation 1397058 (VCV001397058.7), dbSNP rs1444098674, ClinGen allele CA349340553.